The following is an entry in ClinVar:

NM_004656.4(BAP1):c.754C>T (p.Arg252Cys)

Gene: BAP1 (BRCA1 associated deubiquitinase 1; minus strand). Cytogenetic location: 3p21.1.
Variant type: single nucleotide variant.
Coding change: c.754C>T on transcript NM_004656.4 (MANE Select); coding-DNA position 754, C replaced by T.
Protein change: p.Arg252Cys; replaces arginine 252 with cysteine.
Molecular consequence: missense variant.
Genome position (GRCh38, 1-based): chr3:52,406,282, G>A on the plus strand (C>T on the coding strand, the complement: BAP1 is on the minus strand). VCF-style: chr3-52406282-G-A. GRCh37 (hg19) VCF-style: chr3-52440298-G-A.
Other names: short protein forms R252C.
Identifiers: ClinVar variation 490889 (VCV000490889.13), dbSNP rs764891422, ClinGen allele CA2437012.
Genomic context (GRCh38, chr3:52,406,282, plus strand): 5'-TGGGCAGAGGCCAGGAAGAAAGGGCACCTACCTGCTGCAGAGCCTCTAGTACTGTCTGAC[G>A]GTTCACCTTCAGCACATGCAGCCTGGCCTCATACTTGATCCTGCGGTCGGGCACCACTGC-3'
Protein context (NP_004647.1, residues 242-262): EARLHVLKVN[Arg252Cys]QTVLEALQQL

ClinVar aggregate classification (germline): Conflicting classifications of pathogenicity. Review status: criteria provided, conflicting classifications (1 of 4 stars). 3 submissions from 3 submitters: Uncertain significance (2); Likely benign (1). Last evaluated 2025-10-26.

Conditions:
Hereditary cancer-predisposing syndrome. Also called: Hereditary Cancer Syndrome; Neoplastic Syndromes, Hereditary; Tumor predisposition; Hereditary neoplastic syndrome. Identifiers: Orphanet 140162, MedGen C0027672, MeSH D009386, MONDO:0015356.
BAP1-related tumor predisposition syndrome (TPDS1). Also called: Tumor susceptibility linked to germline BAP1 mutations; BAP1 tumor predisposition syndrome; COMMON Syndrome; TUMOR PREDISPOSITION SYNDROME 1. Identifiers: Orphanet 289539, MedGen C3280492, MONDO:0013692, OMIM 614327.

Allele frequency attached by ClinVar (database versions not stated): gnomAD exomes below 0.00001; TOPMed below 0.00001; gnomAD 0.00001.
gnomAD v4.1: 7 of 1,614,052 alleles (0.00043%); highest among the groups gnomAD compares: Admixed American, 0.0017%; no homozygotes.

Submissions (3):

Labcorp Genetics (formerly Invitae), Labcorp
Classification: Uncertain significance for BAP1-related tumor predisposition syndrome. Last evaluated: 2025-10-26. Review status: criteria provided, single submitter. Criteria: Invitae Variant Classification Sherloc (09022015). Collection method: clinical testing. Allele origin: germline.
Comment: This sequence change replaces arginine, which is basic and polar, with cysteine, which is neutral and slightly polar, at codon 252 of the BAP1 protein (p.Arg252Cys). This variant is present in population databases (rs764891422, gnomAD 0.003%). This variant has not been reported in the literature in individuals affected with BAP1-related conditions. ClinVar contains an entry for this variant (Variation ID: 490889). Invitae Evidence Modeling of protein sequence and biophysical properties (such as structural, functional, and spatial information, amino acid conservation, physicochemical variation, residue mobility, and thermodynamic stability) indicates that this missense variant is expected to disrupt BAP1 protein function with a positive predictive value of 80%. In summary, the available evidence is currently insufficient to determine the role of this variant in disease. Therefore, it has been classified as a Variant of Uncertain Significance.

Ambry Genetics
Classification: Likely benign for Hereditary cancer-predisposing syndrome. Last evaluated: 2025-03-14. Review status: criteria provided, single submitter. Criteria: Ambry Variant Classification Scheme 2023. Collection method: clinical testing. Allele origin: germline.

Color Diagnostics, LLC DBA Color Health
Classification: Uncertain significance for Hereditary cancer-predisposing syndrome. Last evaluated: 2023-12-04. Review status: criteria provided, single submitter. Criteria: ACMG Guidelines, 2015. Collection method: clinical testing. Allele origin: germline.
Comment: This missense variant replaces arginine with cysteine at codon 252 of the BAP1 protein. Computational prediction suggests that this variant may not impact protein structure and function (internally defined REVEL score threshold <= 0.5, PMID: 27666373). To our knowledge, functional studies have not been reported for this variant. This variant has not been reported in individuals affected with BAP1-related disorders in the literature. This variant has been identified in 4/282688 chromosomes in the general population by the Genome Aggregation Database (gnomAD). The available evidence is insufficient to determine the role of this variant in disease conclusively. Therefore, this variant is classified as a Variant of Uncertain Significance.

Literature cited by the submitters: PubMed 38969833 (cited by Ambry Genetics).